The following is an entry in ClinVar:

ClinVar aggregate classification (germline): Uncertain significance (1 of 4 stars; one submission).

Conditions:
Immunodeficiency 14 (IMD14A). Also called: p110-DELTA-ACTIVATING MUTATION CAUSING SENESCENT T CELLS, LYMPHADENOPATHY, AND IMMUNODEFICIENCY; Activated PI3K Delta Syndrome Type 1 (APDS1); IMMUNODEFICIENCY 14A WITH LYMPHOPROLIFERATION, AUTOSOMAL DOMINANT; ACTIVATED PI3K-DELTA SYNDROME 1. Identifiers: Orphanet 397596, Orphanet 693661, MedGen C5907821, MONDO:0014222, OMIM 615513.

Allele frequency attached by ClinVar (database versions not stated): gnomAD 0.00001; gnomAD exomes 0.00001; 1000 Genomes Project 30x 0.00031; TOPMed 0.00002; 1000 Genomes Project 0.00020.
gnomAD v4.1: 19 of 1,613,924 alleles (0.0012%); highest among the groups gnomAD compares: Non-Finnish European, 0.0014%; no homozygotes.

Submission:

Labcorp Genetics (formerly Invitae), Labcorp
Classification: Uncertain significance for Activated PI3K-delta syndrome. Last evaluated: 2026-01-11. Review status: criteria provided, single submitter. Criteria: Invitae Variant Classification Sherloc (09022015). Collection method: clinical testing. Allele origin: germline.
Comment: This sequence change replaces proline, which is neutral and non-polar, with leucine, which is neutral and non-polar, at codon 864 of the PIK3CD protein (p.Pro864Leu). This variant is present in population databases (rs148984508, gnomAD 0.003%). This variant has not been reported in the literature in individuals affected with PIK3CD-related conditions. ClinVar contains an entry for this variant (Variation ID: 860242). Invitae Evidence Modeling of protein sequence and biophysical properties (such as structural, functional, and spatial information, amino acid conservation, physicochemical variation, residue mobility, and thermodynamic stability) indicates that this missense variant is not expected to disrupt PIK3CD protein function with a negative predictive value of 80%. In summary, the available evidence is currently insufficient to determine the role of this variant in disease. Therefore, it has been classified as a Variant of Uncertain Significance.

NM_005026.5(PIK3CD):c.2591C>T (p.Pro864Leu)

Gene: PIK3CD (phosphatidylinositol-4,5-bisphosphate 3-kinase catalytic subunit delta; plus strand). Cytogenetic location: 1p36.22.
Variant type: single nucleotide variant.
Coding change: c.2591C>T on transcript NM_005026.5 (MANE Select); coding-DNA position 2591, C replaced by T.
Protein change: p.Pro864Leu; replaces proline 864 with leucine.
Molecular consequence: missense variant.
Genome position (GRCh38, 1-based): chr1:9,723,289, C>T. VCF-style: chr1-9723289-C-T. GRCh37 (hg19) VCF-style: chr1-9783347-C-T.
Other names: c.2588C>T, p.Pro863Leu (NM_001350234.2); c.2504C>T, p.Pro835Leu (NM_001350235.1); short protein forms P835L, P863L, P864L.
Identifiers: ClinVar variation 860242 (VCV000860242.10), dbSNP rs148984508, ClinGen allele CA577570.
Genomic context (GRCh38, chr1:9,723,289, plus strand): 5'-TGGCAGCCACAGCCGCCTTCAACAAGGATGCCCTGCTCAACTGGCTGAAGTCCAAGAACC[C>T]GGGGTGGGTTTCAGGCCCAGGGATAGGTTCCCTCTCCTTTCCAAGAGGTGTGGAGTGGGA-3'
Protein context (NP_005017.3, residues 854-874): ALLNWLKSKN[Pro864Leu]GEALDRAIEE